The following is an entry in ClinVar:

ClinVar aggregate classification (germline): Uncertain significance (1 of 4 stars; one submission).

Allele frequency attached by ClinVar (database versions not stated): gnomAD exomes 0.00001; TOPMed 0.00001.
gnomAD v4.1: 10 of 1,614,136 alleles (0.00062%); highest among the groups gnomAD compares: Non-Finnish European, 0.00076%; no homozygotes.

Submission:

Labcorp Genetics (formerly Invitae), Labcorp
Classification: Uncertain significance. Last evaluated: 2022-07-19. Review status: criteria provided, single submitter. Criteria: Invitae Variant Classification Sherloc (09022015). Collection method: clinical testing. Allele origin: germline.
Comment: In summary, the available evidence is currently insufficient to determine the role of this variant in disease. Therefore, it has been classified as a Variant of Uncertain Significance. Advanced modeling of protein sequence and biophysical properties (such as structural, functional, and spatial information, amino acid conservation, physicochemical variation, residue mobility, and thermodynamic stability) performed at Invitae indicates that this missense variant is not expected to disrupt COL11A1 protein function. This variant has not been reported in the literature in individuals affected with COL11A1-related conditions. This variant is not present in population databases (gnomAD no frequency). This sequence change replaces isoleucine, which is neutral and non-polar, with threonine, which is neutral and polar, at codon 981 of the COL11A1 protein (p.Ile981Thr).

NM_001854.4(COL11A1):c.2942T>C (p.Ile981Thr)

Gene: COL11A1 (collagen type XI alpha 1 chain; minus strand). Cytogenetic location: 1p21.1.
Variant type: single nucleotide variant.
Coding change: c.2942T>C on transcript NM_001854.4 (MANE Select); coding-DNA position 2942, T replaced by C.
Protein change: p.Ile981Thr; replaces isoleucine 981 with threonine.
Molecular consequence: missense variant. On other transcripts: non-coding transcript variant (1).
Genome position (GRCh38, 1-based): chr1:102,962,735, A>G on the plus strand (T>C on the coding strand, the complement: COL11A1 is on the minus strand). VCF-style: chr1-102962735-A-G. GRCh37 (hg19) VCF-style: chr1-103428291-A-G.
Other names: c.2594T>C, p.Ile865Thr (NM_001168249.1, NM_080630.4); c.2825T>C, p.Ile942Thr (NM_001190709.2); c.2978T>C, p.Ile993Thr (NM_080629.3); short protein forms I865T, I993T, I981T, I942T.
Identifiers: ClinVar variation 1954436 (VCV001954436.5), dbSNP rs1244379073, ClinGen allele CA341158087.